The following is an entry in ClinVar:

ClinVar aggregate classification (germline): Uncertain significance (1 of 4 stars; one submission).

Allele frequency attached by ClinVar (database versions not stated): ESP Exome Variant Server 0.00008; gnomAD exomes below 0.00001; TOPMed below 0.00001; ExAC 0.00001; gnomAD 0.00001.
gnomAD v4.1: 2 of 1,614,088 alleles (0.00012%); highest among the groups gnomAD compares: Non-Finnish European, 0.00017%; no homozygotes.

Submission:

Labcorp Genetics (formerly Invitae), Labcorp
Classification: Uncertain significance. Last evaluated: 2022-02-09. Review status: criteria provided, single submitter. Criteria: Invitae Variant Classification Sherloc (09022015). Collection method: clinical testing. Allele origin: germline.
Comment: Algorithms developed to predict the effect of missense changes on protein structure and function (SIFT, PolyPhen-2, Align-GVGD) all suggest that this variant is likely to be tolerated. This variant has not been reported in the literature in individuals affected with CTR9-related conditions. This variant is present in population databases (rs371018927, gnomAD 0.0009%). This sequence change replaces glutamine, which is neutral and polar, with leucine, which is neutral and non-polar, at codon 1108 of the CTR9 protein (p.Gln1108Leu). In summary, the available evidence is currently insufficient to determine the role of this variant in disease. Therefore, it has been classified as a Variant of Uncertain Significance.

NM_014633.5(CTR9):c.3323A>T (p.Gln1108Leu)

Gene: CTR9 (CTR9 component of Paf1/RNA polymerase II complex; plus strand). Cytogenetic location: 11p15.4.
Variant type: single nucleotide variant.
Coding change: c.3323A>T on transcript NM_014633.5 (MANE Select); coding-DNA position 3323, A replaced by T.
Protein change: p.Gln1108Leu; replaces glutamine 1108 with leucine.
Molecular consequence: missense variant.
Genome position (GRCh38, 1-based): chr11:10,778,906, A>T. VCF-style: chr11-10778906-A-T. GRCh37 (hg19) VCF-style: chr11-10800453-A-T.
Other names: c.3251A>T, p.Gln1084Leu (NM_001346279.2); short protein forms Q1084L, Q1108L.
Identifiers: ClinVar variation 1899289 (VCV001899289.5), dbSNP rs371018927, ClinGen allele CA5885562.
Genomic context (GRCh38, chr11:10,778,906, plus strand): 5'-ACCAGCCATCCAGAAAGAGAAGGCCCTCCGGTTCTGAGCAGTCTGACAATGAATCTGTGC[A>T]GTCAGGGAGAAGCCACTCAGGAGTTTCTGAGAACGACTCTCGCCCAGCTTCTCCAAGTGC-3'
Protein context (NP_055448.1, residues 1098-1118): GSEQSDNESV[Gln1108Leu]SGRSHSGVSE